The following is an entry in ClinVar:

NM_001037.5(SCN1B):c.404A>C (p.Asn135Thr)

Gene: SCN1B (sodium voltage-gated channel beta subunit 1; plus strand). Cytogenetic location: 19q13.11.
Variant type: single nucleotide variant.
Coding change: c.404A>C on transcript NM_001037.5 (MANE Select); coding-DNA position 404, A replaced by C.
Protein change: p.Asn135Thr; replaces asparagine 135 with threonine.
Molecular consequence: missense variant.
Genome position (GRCh38, 1-based): chr19:35,033,695, A>C. VCF-style: chr19-35033695-A-C. GRCh37 (hg19) VCF-style: chr19-35524599-A-C.
Other names: c.305A>C, p.Asn102Thr (NM_001321605.2); c.404A>C, p.Asn135Thr (NM_199037.5); short protein forms N102T, N135T.
Identifiers: ClinVar variation 3693979 (VCV003693979.2).
Genomic context (GRCh38, chr19:35,033,695, plus strand): 5'-ACTCGGGCGACTACGAGTGCCACGTCTACCGCCTGCTCTTCTTCGAAAACTACGAGCACA[A>C]CACCAGCGTCGTCAAGAAGATCCACATTGAGGTAGTGGACAAAGGTGAGTCGGGTGCTGC-3'
Protein context (NP_001028.1, residues 125-145): RLLFFENYEH[Asn135Thr]TSVVKKIHIE

ClinVar aggregate classification (germline): Uncertain significance (1 of 4 stars; one submission).

Conditions:
Brugada syndrome 5 (BRGDA5). Identifiers: Orphanet 130, Orphanet 871, MedGen C2748541, MONDO:0013015, OMIM 612838.

Submission:

Labcorp Genetics (formerly Invitae), Labcorp
Classification: Uncertain significance for Brugada syndrome 5. Last evaluated: 2024-11-27. Review status: criteria provided, single submitter. Criteria: Invitae Variant Classification Sherloc (09022015). Collection method: clinical testing. Allele origin: germline.
Comment: This sequence change replaces asparagine, which is neutral and polar, with threonine, which is neutral and polar, at codon 135 of the SCN1B protein (p.Asn135Thr). This variant is not present in population databases (gnomAD no frequency). This variant has not been reported in the literature in individuals affected with SCN1B-related conditions. An algorithm developed to predict the effect of missense changes on protein structure and function (PolyPhen-2) suggests that this variant is likely to be disruptive. In summary, the available evidence is currently insufficient to determine the role of this variant in disease. Therefore, it has been classified as a Variant of Uncertain Significance.